The following is an entry in ClinVar:

NM_020706.2(SCAF4):c.1312T>A (p.Ser438Thr)

Gene: SCAF4 (SR-related CTD associated factor 4; minus strand). Cytogenetic location: 21q22.11.
Variant type: single nucleotide variant.
Coding change: c.1312T>A on transcript NM_020706.2 (MANE Select); coding-DNA position 1312, T replaced by A.
Protein change: p.Ser438Thr; replaces serine 438 with threonine.
Molecular consequence: missense variant.
Genome position (GRCh38, 1-based): chr21:31,694,214, A>T on the plus strand (T>A on the coding strand, the complement: SCAF4 is on the minus strand). VCF-style: chr21-31694214-A-T. GRCh37 (hg19) VCF-style: chr21-33066527-A-T.
Other names: c.1267T>A, p.Ser423Thr (NM_001145444.1); c.1312T>A, p.Ser438Thr (NM_001145445.1); short protein forms S423T, S438T.
Identifiers: ClinVar variation 3437753 (VCV003437753.3).

ClinVar aggregate classification (germline): Likely benign. Review status: criteria provided, multiple submitters, no conflicts (2 of 4 stars). 2 submissions from 2 submitters: Likely benign (2). Last evaluated 2026-04-01.

Conditions:
Inborn genetic diseases. Identifiers: MedGen C0950123, MeSH D030342.

gnomAD v4.1: 661 of 1,598,018 alleles (0.041%); highest among the groups gnomAD compares: African/African-American, 0.77%; 4 homozygotes.

Submissions (2):

CeGaT Center for Human Genetics Tuebingen
Classification: Likely benign. Last evaluated: 2026-04-01. Review status: criteria provided, single submitter. Criteria: CeGaT Center For Human Genetics Tuebingen Variant Classification Criteria Version 2. Collection method: clinical testing. Allele origin: germline. Affected: yes. Observed: 1 variant allele.
Comment: SCAF4: BS1

Ambry Genetics
Classification: Likely benign for Inborn genetic diseases. Last evaluated: 2024-11-29. Review status: criteria provided, single submitter. Criteria: Ambry Variant Classification Scheme 2023. Collection method: clinical testing. Allele origin: germline.